The following is an entry in ClinVar:

ClinVar aggregate classification (germline): Benign/Likely benign. Review status: criteria provided, multiple submitters, no conflicts (2 of 4 stars). 6 submissions from 6 submitters: Benign (1); Likely benign (4). 1 of the submissions does not count toward it. Last evaluated 2026-01-20.

Conditions:
Congenital heart defects and skeletal malformations syndrome. Identifiers: Orphanet 643503, MedGen C4539857, MONDO:0060532, OMIM 617602.
Chronic myeloid leukemia. Also called: Chronic myelogenous leukemia, BCR-ABL1 positive; Chronic myelogenous leukemia. Identifiers: Orphanet 521, MedGen C0279543, MeSH D015464, MONDO:0011996, OMIM 608232, HP:0005506.
ABL1-related disorder. Also called: ABL1-related condition.

Allele frequency attached by ClinVar (database versions not stated): ESP Exome Variant Server 0.00031; 1000 Genomes Project 0.00040; 1000 Genomes Project 30x 0.00062.
gnomAD v4.1: 532 of 1,611,856 alleles (0.033%); highest among the groups gnomAD compares: Middle Eastern, 0.15%; no homozygotes.

Submissions (6):

Labcorp Genetics (formerly Invitae), Labcorp
Classification: Likely benign. Last evaluated: 2026-01-20. Review status: criteria provided, single submitter. Criteria: Invitae Variant Classification Sherloc (09022015). Collection method: clinical testing. Allele origin: germline.

Blueprint Genetics
Classification: Likely benign. Last evaluated: 2024-11-21. Review status: criteria provided, single submitter. Criteria: ACMG Guidelines, 2015. Collection method: clinical testing. Allele origin: germline.

CeGaT Center for Human Genetics Tuebingen
Classification: Benign. Last evaluated: 2024-11-01. Review status: criteria provided, single submitter. Criteria: CeGaT Center For Human Genetics Tuebingen Variant Classification Criteria Version 2. Collection method: clinical testing. Allele origin: germline. Affected: yes. Observed: 2 variant alleles.
Comment: ABL1: BS1, BS2

Fulgent Genetics
Classification: Likely benign for Chronic myeloid leukemia; Congenital heart defects and skeletal malformations syndrome. Last evaluated: 2021-10-19. Review status: criteria provided, single submitter. Criteria: ACMG Guidelines, 2015. Collection method: clinical testing. Allele origin: unknown.

Breakthrough Genomics
Classification: Likely benign. Review status: criteria provided, single submitter. Criteria: ACMG Guidelines, 2015. Collection method: not provided. Allele origin: germline. Inheritance: Autosomal dominant inheritance. Affected: yes.

PreventionGenetics, part of Exact Sciences
Classification: Likely benign for ABL1-related condition. Last evaluated: 2022-06-01. Review status: no assertion criteria provided. Collection method: clinical testing. Allele origin: germline. Not counted in ClinVar's aggregate classification.
Comment: This variant is classified as likely benign based on ACMG/AMP sequence variant interpretation guidelines (Richards et al. 2015 PMID: 25741868, with internal and published modifications).

NM_005157.6(ABL1):c.2035T>G (p.Ser679Ala)

Gene: ABL1 (ABL proto-oncogene 1, non-receptor tyrosine kinase; plus strand). Cytogenetic location: 9q34.12.
Variant type: single nucleotide variant.
Coding change: c.2035T>G on transcript NM_005157.6 (MANE Select); coding-DNA position 2035, T replaced by G.
Protein change: p.Ser679Ala; replaces serine 679 with alanine.
Molecular consequence: missense variant.
Genome position (GRCh38, 1-based): chr9:130,884,325, T>G. VCF-style: chr9-130884325-T-G. GRCh37 (hg19) VCF-style: chr9-133759712-T-G.
Other names: c.2092T>G, p.Ser698Ala (NM_007313.3); short protein forms S679A, S698A.
Identifiers: ClinVar variation 1594971 (VCV001594971.35), dbSNP rs201278085, ClinGen allele CA5285611.